The following is an entry in ClinVar:

ClinVar aggregate classification (germline): Likely benign. Review status: criteria provided, multiple submitters, no conflicts (2 of 4 stars). 2 submissions from 2 submitters: Likely benign (2). Last evaluated 2025-12-13.

Conditions:
PURA-related severe neonatal hypotonia-seizures-encephalopathy syndrome (NEDRIHF). Also called: PURA-Related Neurodevelopmental Disorders; NEURODEVELOPMENTAL DISORDER WITH NEONATAL RESPIRATORY INSUFFICIENCY, HYPOTONIA, AND FEEDING DIFFICULTIES. Identifiers: Orphanet 438213, Orphanet 438216, MedGen C4015357, MONDO:1060108, OMIM 616158, MONDO:0018580.

Allele frequency attached by ClinVar (database versions not stated): gnomAD 0.00004 and 0.00005; gnomAD exomes 0.00007 and 0.00009; TOPMed 0.00022; 1000 Genomes Project 30x 0.00031; ExAC 0.00038.
gnomAD v4.1: 95 of 1,339,714 alleles (0.0071%); highest among the groups gnomAD compares: East Asian, 0.22%; no homozygotes.

Submissions (2):

Labcorp Genetics (formerly Invitae), Labcorp
Classification: Likely benign for PURA-related severe neonatal hypotonia-seizures-encephalopathy syndrome. Last evaluated: 2025-12-13. Review status: criteria provided, single submitter. Criteria: Invitae Variant Classification Sherloc (09022015). Collection method: clinical testing. Allele origin: germline.

CeGaT Center for Human Genetics Tuebingen
Classification: Likely benign. Last evaluated: 2023-01-01. Review status: criteria provided, single submitter. Criteria: CeGaT Center For Human Genetics Tuebingen Variant Classification Criteria Version 2. Collection method: clinical testing. Allele origin: germline. Affected: yes. Observed: 1 variant allele.
Comment: PURA: BP4, BP7, BS1

NM_005859.5(PURA):c.141C>T (p.Gly47=)

Gene: PURA (purine rich element binding protein A; plus strand). Cytogenetic location: 5q31.3.
Variant type: single nucleotide variant.
Coding change: c.141C>T on transcript NM_005859.5 (MANE Select); coding-DNA position 141, C replaced by T.
Protein change: p.Gly47=; no amino-acid change (glycine 47 retained).
Molecular consequence: synonymous variant.
Genome position (GRCh38, 1-based): chr5:140,114,322, C>T. VCF-style: chr5-140114322-C-T. GRCh37 (hg19) VCF-style: chr5-139493907-C-T.
Identifiers: ClinVar variation 475285 (VCV000475285.36), dbSNP rs769972776, ClinGen allele CA3437421.